The following is an entry in ClinVar:

ClinVar aggregate classification (germline): Uncertain significance. Review status: criteria provided, multiple submitters, no conflicts (2 of 4 stars). 3 submissions from 3 submitters: Uncertain significance (3). Last evaluated 2025-08-30.

Conditions:
Hereditary cancer-predisposing syndrome. Also called: Tumor predisposition; Hereditary Cancer Syndrome; Hereditary neoplastic syndrome; Neoplastic Syndromes, Hereditary. Identifiers: Orphanet 140162, MedGen C0027672, MeSH D009386, MONDO:0015356.
Hereditary pheochromocytoma and paraganglioma. Also called: Hereditary paragangliomas and pheochromocytomas; Hereditary pheochromocytoma-paraganglioma; Hereditary Paraganglioma-Pheochromocytoma Syndromes. Identifiers: Orphanet 29072, MedGen C4274332, MONDO:0017366.

Allele frequency attached by ClinVar (database versions not stated): gnomAD exomes below 0.00001; TOPMed 0.00001.
gnomAD v4.1: 2 of 1,614,210 alleles (0.00012%); highest among the groups gnomAD compares: Admixed American, 0.0017%; no homozygotes.

Submissions (3):

Labcorp Genetics (formerly Invitae), Labcorp
Classification: Uncertain significance for Hereditary pheochromocytoma and paraganglioma. Last evaluated: 2025-08-30. Review status: criteria provided, single submitter. Criteria: Invitae Variant Classification Sherloc (09022015). Collection method: clinical testing. Allele origin: germline.
Comment: This sequence change replaces glutamic acid, which is acidic and polar, with glycine, which is neutral and non-polar, at codon 150 of the SDHAF2 protein (p.Glu150Gly). This variant is present in population databases (no rsID available, gnomAD 0.003%). This variant has not been reported in the literature in individuals affected with SDHAF2-related conditions. ClinVar contains an entry for this variant (Variation ID: 664345). An algorithm developed to predict the effect of missense changes on protein structure and function (PolyPhen-2) suggests that this variant is likely to be disruptive. In summary, the available evidence is currently insufficient to determine the role of this variant in disease. Therefore, it has been classified as a Variant of Uncertain Significance.

Ambry Genetics
Classification: Uncertain significance for Hereditary cancer-predisposing syndrome. Last evaluated: 2024-09-25. Review status: criteria provided, single submitter. Criteria: Ambry Variant Classification Scheme 2023. Collection method: clinical testing. Allele origin: germline.
Comment: The p.E150G variant (also known as c.449A>G), located in coding exon 4 of the SDHAF2 gene, results from an A to G substitution at nucleotide position 449. The glutamic acid at codon 150 is replaced by glycine, an amino acid with similar properties. This amino acid position is highly conserved in available vertebrate species. In addition, this alteration is predicted to be deleterious by in silico analysis. Based on the available evidence, the clinical significance of this variant remains unclear.

All of Us Research Program, National Institutes of Health
Classification: Uncertain significance for Hereditary pheochromocytoma and paraganglioma. Last evaluated: 2024-04-25. Review status: criteria provided, single submitter. Criteria: ACMG Guidelines, 2015. Collection method: clinical testing. Allele origin: germline. Inheritance: Autosomal dominant inheritance. Observed: 3 variant alleles, 3 heterozygotes.
Comment: This missense variant replaces glutamic acid with glycine at codon 150 of the SDHAF2 protein. Computational prediction is inconclusive regarding the impact of this variant on protein structure and function (internally defined REVEL score threshold 0.5 < inconclusive < 0.7, PMID: 27666373). To our knowledge, functional studies have not been reported for this variant. This variant has not been reported in individuals affected with SDHAF2-related disorders in the literature. This variant has been identified in 1/251484 chromosomes in the general population by the Genome Aggregation Database (gnomAD). The available evidence is insufficient to determine the role of this variant in disease conclusively. Therefore, this variant is classified as a Variant of Uncertain Significance.

This study involves interpretation of variants in research participants for the purpose of population health screening. Participant phenotype was not available at the time of variant classification. Additional details can be found in publication PMID: 35346344, PMCID: PMC8962531

NM_017841.4(SDHAF2):c.449A>G (p.Glu150Gly)

Gene: SDHAF2 (succinate dehydrogenase complex assembly factor 2; plus strand). Cytogenetic location: 11q12.2.
Variant type: single nucleotide variant.
Coding change: c.449A>G on transcript NM_017841.4 (MANE Select); coding-DNA position 449, A replaced by G.
Protein change: p.Glu150Gly; replaces glutamic acid 150 with glycine.
Molecular consequence: missense variant.
Genome position (GRCh38, 1-based): chr11:61,446,019, A>G. VCF-style: chr11-61446019-A-G. GRCh37 (hg19) VCF-style: chr11-61213491-A-G.
Other names: short protein forms E150G.
Identifiers: ClinVar variation 664345 (VCV000664345.16), dbSNP rs1363376859, ClinGen allele CA380685423.